The following is an entry in ClinVar:

ClinVar aggregate classification (germline): Likely pathogenic (1 of 4 stars; one submission).

Conditions:
Bardet-Biedl syndrome 2 (BBS2). Identifiers: Orphanet 110, MedGen C2936863, MONDO:0014432, OMIM 615981.

Submission:

Myriad Genetics, Inc.
Classification: Likely pathogenic for Bardet-Biedl syndrome 2. Last evaluated: 2021-12-14. Review status: criteria provided, single submitter. Criteria: Myriad Women's Health Autosomal Recessive and X-Linked Classification Criteria (2021). Collection method: clinical testing. Allele origin: unknown.
Comment: NM_031885.3(BBS2):c.1654_1655insCT(G552Afs*6) is expected to be pathogenic in the context of Bardet-Biedl syndrome, BBS2-related. This variant is predicted to lead to an abnormal or absent protein product due to the creation of a premature termination codon in BBS2, a gene where loss-of-function variants are known to be pathogenic. Please note: this variant was assessed in the context of healthy population screening.

NM_031885.5(BBS2):c.1654_1655insCT (p.Gly552fs)

Gene: BBS2 (Bardet-Biedl syndrome 2; minus strand). Cytogenetic location: 16q13.
Variant type: Insertion.
Coding change: c.1654_1655insCT on transcript NM_031885.5 (MANE Select); coding-DNA positions 1654 to 1655, CT inserted.
Protein change: p.Gly552fs; shifts the reading frame from glycine 552.
Molecular consequence: frameshift variant. On other transcripts: non-coding transcript variant (5).
Genome position: GRCh38 VCF-style: chr16-56498441-C-CAG. GRCh37 (hg19) VCF-style: chr16-56532353-C-CAG.
Other names: c.1654_1655insCT, p.Gly552fs (NM_001377456.1); short protein forms G552fs.
Identifiers: ClinVar variation 1726299 (VCV001726299.2), dbSNP rs2543700164, ClinGen allele CA2580091647.
Genomic context (GRCh38, chr16:56,498,441, plus strand): 5'-TGTTTGAATAAATAAATTCAAAAAAGAAATCTATGCCCCGTGATATTAAACATTACCTCT[C>CAG]CACTAAGTTTTATTTTTATATGCAGGTGGCCGCCATTCCGTAAAGATGTGAAACACACTT-3'